The following is an entry in ClinVar:

ClinVar aggregate classification (germline): Uncertain significance (1 of 4 stars; one submission).

Conditions:
T-cell immunodeficiency, congenital alopecia, and nail dystrophy. Also called: Congenital alopecia and nail dystrophy associated with severe functional T-cell immunodeficiency; Pignata Guarino syndrome. Identifiers: Orphanet 169095, MedGen C1866426, MONDO:0011132, OMIM 601705.

Submission:

Labcorp Genetics (formerly Invitae), Labcorp
Classification: Uncertain significance for T-cell immunodeficiency, congenital alopecia, and nail dystrophy. Last evaluated: 2024-09-30. Review status: criteria provided, single submitter. Criteria: Invitae Variant Classification Sherloc (09022015). Collection method: clinical testing. Allele origin: germline.
Comment: This sequence change replaces glutamic acid, which is acidic and polar, with aspartic acid, which is acidic and polar, at codon 178 of the FOXN1 protein (p.Glu178Asp). This variant is not present in population databases (gnomAD no frequency). This variant has not been reported in the literature in individuals affected with FOXN1-related conditions. ClinVar contains an entry for this variant (Variation ID: 1915677). Invitae Evidence Modeling of protein sequence and biophysical properties (such as structural, functional, and spatial information, amino acid conservation, physicochemical variation, residue mobility, and thermodynamic stability) indicates that this missense variant is not expected to disrupt FOXN1 protein function with a negative predictive value of 80%. In summary, the available evidence is currently insufficient to determine the role of this variant in disease. Therefore, it has been classified as a Variant of Uncertain Significance.

NM_001369369.1(FOXN1):c.534G>T (p.Glu178Asp)

Gene: FOXN1 (forkhead box N1; plus strand). Cytogenetic location: 17q11.2.
Variant type: single nucleotide variant.
Coding change: c.534G>T on transcript NM_001369369.1 (MANE Select); coding-DNA position 534, G replaced by T.
Protein change: p.Glu178Asp; replaces glutamic acid 178 with aspartic acid.
Molecular consequence: missense variant.
Genome position (GRCh38, 1-based): chr17:28,524,913, G>T. VCF-style: chr17-28524913-G-T. GRCh37 (hg19) VCF-style: chr17-26851931-G-T.
Other names: c.534G>T, p.Glu178Asp (NM_003593.3); short protein forms E178D.
Identifiers: ClinVar variation 1915677 (VCV001915677.5), dbSNP rs199509379, ClinGen allele CA398321991.
Genomic context (GRCh38, chr17:28,524,913, plus strand): 5'-CGAGGAGATCCCAGTGGACGTGGCGGAGGCCGAGGCCTTCCTGCCTGGCTTCTCAGCAGA[G>T]GCCTGGTGTAACGGGCTCCCCTACCCCAGCCAGGAGCATGGCCCCCAAGTCCTGGTGAGT-3'
Protein context (NP_001356298.1, residues 168-188): AEAFLPGFSA[Glu178Asp]AWCNGLPYPS